The following is an entry in ClinVar:

NM_001349253.2(SCN11A):c.3035A>G (p.Lys1012Arg)

Gene: SCN11A (sodium voltage-gated channel alpha subunit 11; minus strand). Cytogenetic location: 3p22.2.
Variant type: single nucleotide variant.
Coding change: c.3035A>G on transcript NM_001349253.2 (MANE Select); coding-DNA position 3035, A replaced by G.
Protein change: p.Lys1012Arg; replaces lysine 1012 with arginine.
Molecular consequence: missense variant.
Genome position (GRCh38, 1-based): chr3:38,885,317, T>C on the plus strand (A>G on the coding strand, the complement: SCN11A is on the minus strand). VCF-style: chr3-38885317-T-C. GRCh37 (hg19) VCF-style: chr3-38926808-T-C.
Other names: c.3035A>G, p.Lys1012Arg (NM_014139.3); short protein forms K1012R.
Identifiers: ClinVar variation 3751157 (VCV003751157.2).

ClinVar aggregate classification (germline): Uncertain significance (1 of 4 stars; one submission).

Conditions:
Hereditary sensory and autonomic neuropathy type 7. Also called: HSAN VII; Neuropathy, hereditary sensory and autonomic, type VII. Identifiers: Orphanet 391397, MedGen C3809882, MONDO:0014244, OMIM 615548.
Familial episodic pain syndrome with predominantly lower limb involvement. Also called: Episodic pain syndrome, familial, 3. Identifiers: Orphanet 391384, Orphanet 391392, MedGen C3809899, MONDO:0014247, OMIM 615552.

Submission:

Labcorp Genetics (formerly Invitae), Labcorp
Classification: Uncertain significance for Familial episodic pain syndrome with predominantly lower limb involvement; Hereditary sensory and autonomic neuropathy type 7. Last evaluated: 2024-02-03. Review status: criteria provided, single submitter. Criteria: Invitae Variant Classification Sherloc (09022015). Collection method: clinical testing. Allele origin: germline.
Comment: This sequence change replaces lysine, which is basic and polar, with arginine, which is basic and polar, at codon 1012 of the SCN11A protein (p.Lys1012Arg). This variant is present in population databases (no rsID available, gnomAD 0.003%). This variant has not been reported in the literature in individuals affected with SCN11A-related conditions. Advanced modeling of protein sequence and biophysical properties (such as structural, functional, and spatial information, amino acid conservation, physicochemical variation, residue mobility, and thermodynamic stability) performed at Invitae indicates that this missense variant is not expected to disrupt SCN11A protein function with a negative predictive value of 80%. In summary, the available evidence is currently insufficient to determine the role of this variant in disease. Therefore, it has been classified as a Variant of Uncertain Significance.